The following is an entry in ClinVar:

NM_004408.4(DNM1):c.1181A>G (p.Asn394Ser)

Gene: DNM1 (dynamin 1; plus strand). Cytogenetic location: 9q34.11.
Variant type: single nucleotide variant.
Coding change: c.1181A>G on transcript NM_004408.4 (MANE Select); coding-DNA position 1181, A replaced by G.
Protein change: p.Asn394Ser; replaces asparagine 394 with serine.
Molecular consequence: missense variant.
Genome position (GRCh38, 1-based): chr9:128,222,845, A>G. VCF-style: chr9-128222845-A-G. GRCh37 (hg19) VCF-style: chr9-130985124-A-G.
Other names: c.1181A>G, p.Asn394Ser (NM_001005336.3, NM_001288737.2, NM_001288738.2 and 2 more transcripts); short protein forms N394S.
Identifiers: ClinVar variation 2578048 (VCV002578048.1), dbSNP rs2538998903, ClinGen allele CA375016660.

ClinVar aggregate classification (germline): Pathogenic (1 of 4 stars; one submission).

Submission:

GeneDx
Classification: Pathogenic. Last evaluated: 2023-08-25. Review status: criteria provided, single submitter. Criteria: GeneDx Variant Classification Process June 2021. Collection method: clinical testing. Allele origin: germline. Affected: yes.
Comment: Not observed at significant frequency in large population cohorts (gnomAD); In silico analysis supports that this missense variant has a deleterious effect on protein structure/function; Has not been previously published as pathogenic or benign to our knowledge